The following is an entry in ClinVar:

NM_031885.5(BBS2):c.326C>A (p.Ser109Ter)

Gene: BBS2 (Bardet-Biedl syndrome 2; minus strand). Cytogenetic location: 16q13.
Variant type: single nucleotide variant.
Coding change: c.326C>A on transcript NM_031885.5 (MANE Select); coding-DNA position 326, C replaced by A.
Protein change: p.Ser109Ter; replaces serine 109 with a stop codon.
Molecular consequence: nonsense. On other transcripts: non-coding transcript variant (5).
Genome position (GRCh38, 1-based): chr16:56,514,472, G>T on the plus strand (C>A on the coding strand, the complement: BBS2 is on the minus strand). VCF-style: chr16-56514472-G-T. GRCh37 (hg19) VCF-style: chr16-56548384-G-T.
Other names: c.326C>A, p.Ser109Ter (NM_001377456.1); c.326C>A (NM_031885.3); short protein forms S109*.
Identifiers: ClinVar variation 1069221 (VCV001069221.10), dbSNP rs181736797, ClinGen allele CA395985406.

ClinVar aggregate classification (germline): Pathogenic/Likely pathogenic. Review status: criteria provided, multiple submitters, no conflicts (2 of 4 stars). 3 submissions from 3 submitters: Pathogenic (1); Likely pathogenic (2). Last evaluated 2024-08-06.

Conditions:
Bardet-Biedl syndrome 2 (BBS2). Identifiers: Orphanet 110, MedGen C2936863, MONDO:0014432, OMIM 615981.
Bardet-Biedl syndrome (BBS). Identifiers: Orphanet 110, MedGen C0752166, MONDO:0015229.

gnomAD v4.1: 1 of 1,613,972 alleles (0.000062%); highest among the groups gnomAD compares: South Asian, 0.0011%; no homozygotes.

Submissions (3):

Natera, Inc.
Classification: Likely pathogenic for Bardet-Biedl syndrome type 2. Last evaluated: 2024-08-06. Review status: criteria provided, single submitter. Criteria: Natera Variant Classification Schema (03/2026). Collection method: clinical testing. Allele origin: germline.
Comment: The c.326C>A variant in BBS2 is a nonsense variant predicted to introduce a stop codon at amino acid 109. This variant is expected to result in nonsense mediated decay, truncation, or a dysfunctional protein product. This variant is rare in the general population with a frequency below the threshold expected for the associated phenotype(s). Given the available evidence, this variant is classified as Likely Pathogenic.

Baylor Genetics
Classification: Likely pathogenic for Bardet-Biedl syndrome 2. Last evaluated: 2023-09-16. Review status: criteria provided, single submitter. Criteria: ACMG Guidelines, 2015. Collection method: clinical testing. Allele origin: unknown.

Labcorp Genetics (formerly Invitae), Labcorp
Classification: Pathogenic for Bardet-Biedl syndrome. Last evaluated: 2022-09-09. Review status: criteria provided, single submitter. Criteria: Invitae Variant Classification Sherloc (09022015). Collection method: clinical testing. Allele origin: germline.
Comment: This variant is not present in population databases (gnomAD no frequency). This sequence change creates a premature translational stop signal (p.Ser109*) in the BBS2 gene. It is expected to result in an absent or disrupted protein product. Loss-of-function variants in BBS2 are known to be pathogenic (PMID: 11285252, 20177705, 24608809, 26518167). This variant has not been reported in the literature in individuals affected with BBS2-related conditions. ClinVar contains an entry for this variant (Variation ID: 1069221). Algorithms developed to predict the effect of sequence changes on RNA splicing suggest that this variant may create or strengthen a splice site. For these reasons, this variant has been classified as Pathogenic.

Literature cited by the submitters: PubMed 11285252 (cited by Labcorp Genetics (formerly Invitae), Labcorp); PubMed 20177705 (cited by Labcorp Genetics (formerly Invitae), Labcorp); PubMed 24608809 (cited by Labcorp Genetics (formerly Invitae), Labcorp); PubMed 26518167 (cited by Labcorp Genetics (formerly Invitae), Labcorp).